The following is an entry in ClinVar:

NM_001918.5(DBT):c.827T>G (p.Phe276Cys)

Gene: DBT (dihydrolipoamide branched chain transacylase E2; minus strand). Cytogenetic location: 1p21.2.
Variant type: single nucleotide variant.
Coding change: c.827T>G on transcript NM_001918.5 (MANE Select); coding-DNA position 827, T replaced by G.
Protein change: p.Phe276Cys; replaces phenylalanine 276 with cysteine.
Molecular consequence: missense variant.
Genome position (GRCh38, 1-based): chr1:100,214,929, A>C on the plus strand (T>G on the coding strand, the complement: DBT is on the minus strand). VCF-style: chr1-100214929-A-C. GRCh37 (hg19) VCF-style: chr1-100680485-A-C.
Other names: F215C; c.827T>G (NM_001918.4); short protein forms F276C.
Identifiers: ClinVar variation 11943 (VCV000011943.56), dbSNP rs121964999, ClinGen allele CA121797.

ClinVar aggregate classification (germline): Pathogenic/Likely pathogenic. Review status: criteria provided, multiple submitters, no conflicts (2 of 4 stars). 14 submissions from 14 submitters: Pathogenic (8); Likely pathogenic (5). 1 of the submissions does not count toward it. Last evaluated 2026-01-25.

Conditions:
DBT-related disorder. Also called: DBT-related condition.
Maple syrup urine disease type 2 (MSUD2). Also called: Maple syrup urine disease, type II. Identifiers: MedGen C1855371, MONDO:0023693, OMIM 620699.
Maple syrup urine disease type 1A (MSUD1A). Also called: MSUD type 1A. Identifiers: MedGen C1855369, MONDO:0023691, OMIM 248600.
Maple syrup urine disease (MSUD). Identifiers: Orphanet 511, MedGen C0024776, MeSH D008375, MONDO:0009563. Disease mechanism: loss of function.

Allele frequency attached by ClinVar (database versions not stated): ExAC 0.00010; gnomAD 0.00011; gnomAD exomes 0.00011; TOPMed 0.00012.
gnomAD v4.1: 322 of 1,613,122 alleles (0.02%); highest among the groups gnomAD compares: Non-Finnish European, 0.026%; no homozygotes.

Submissions (14):

Labcorp Genetics (formerly Invitae), Labcorp
Classification: Pathogenic for Maple syrup urine disease. Last evaluated: 2026-01-25. Review status: criteria provided, single submitter. Criteria: Invitae Variant Classification Sherloc (09022015). Collection method: clinical testing. Allele origin: germline.
Comment: This sequence change replaces phenylalanine, which is neutral and non-polar, with cysteine, which is neutral and slightly polar, at codon 276 of the DBT protein (p.Phe276Cys). This variant is present in population databases (rs121964999, gnomAD 0.02%). This missense change has been observed in individual(s) with maple syrup urine disease (PMID: 1847055, 14517957, 16786533, 24772966). In at least one individual the data is consistent with being in trans (on the opposite chromosome) from a pathogenic variant. This variant is also known as c.825T>G, p.Phe215Cys. ClinVar contains an entry for this variant (Variation ID: 11943). Invitae Evidence Modeling of protein sequence and biophysical properties (such as structural, functional, and spatial information, amino acid conservation, physicochemical variation, residue mobility, and thermodynamic stability) indicates that this missense variant is expected to disrupt DBT protein function with a positive predictive value of 95%. Experimental studies have shown that this missense change does not substantially affect DBT function (PMID: 1847055). For these reasons, this variant has been classified as Pathogenic.

Variantyx, Inc.
Classification: Likely pathogenic for Maple syrup urine disease type 2. Last evaluated: 2025-08-12. Review status: criteria provided, single submitter. Criteria: Variantyx Assertion Criteria 2022. Collection method: clinical testing. Allele origin: germline. Inheritance: Autosomal recessive inheritance.
Comment: This is a nonsynonymous variant in the DBT gene (OMIM: 248610). Pathogenic variants in this gene have been associated with autosomal recessive maple syrup urine disease type II. This variant has been reported in the homozygous or compound heterozygous state in at least 4 unrelated affected individuals (PMID: 31980395, 1847055, 9239422, 14517957) (PM3). Functional studies have shown that this variant alters DBT protein function (PMID: 1847055) (PS3_Supporting), and multiple computational algorithms predict a deleterious effect for this variant (REVEL score: 0.842) (PP3_Moderate). This variant has a 0.0257% maximum allele frequency in non-founder control populations (PM2_Supporting). Based on the current evidence, this variant is classified as likely pathogenic for autosomal recessive maple syrup urine disease type II.

Blueprint Genetics
Classification: Pathogenic for DBT-related disorders. Last evaluated: 2024-10-10. Review status: criteria provided, single submitter. Criteria: ACMG Guidelines, 2015. Collection method: clinical testing. Allele origin: germline. Affected: yes. Observed: 5 variant alleles.

CeGaT Center for Human Genetics Tuebingen
Classification: Pathogenic. Last evaluated: 2024-08-01. Review status: criteria provided, single submitter. Criteria: CeGaT Center For Human Genetics Tuebingen Variant Classification Criteria Version 2. Collection method: clinical testing. Allele origin: germline. Affected: yes. Observed: 3 variant alleles.
Comment: DBT: PM3:Very Strong, PM2, PP4:Moderate

Fulgent Genetics
Classification: Pathogenic for Maple syrup urine disease type 2. Last evaluated: 2024-03-10. Review status: criteria provided, single submitter. Criteria: ACMG Guidelines, 2015. Collection method: clinical testing. Allele origin: germline.

Women's Health and Genetics/Laboratory Corporation of America, LabCorp
Classification: Likely pathogenic for Maple syrup urine disease. Last evaluated: 2023-12-13. Review status: criteria provided, single submitter. Criteria: LabCorp Variant Classification Summary - May 2015. Collection method: clinical testing. Allele origin: germline.
Comment: Variant summary: DBT c.827T>G (p.Phe276Cys) results in a non-conservative amino acid change in the encoded protein sequence. Four of five in-silico tools predict a damaging effect of the variant on protein function. The variant allele was found at a frequency of 0.00011 in 251448 control chromosomes. c.827T>G has been reported in the literature along with different pathogenic variants in at-least three individuals affected with Maple Syrup Urine Disease (example, Fisher_1991, Soriano-Sexto_2020, Strauss_2020). These data indicate that the variant may be associated with disease. To our knowledge, no experimental evidence demonstrating an impact on protein function has been reported. The following publications have been ascertained in the context of this evaluation (PMID: 1847055, 36361642, 31980395). Eight submitters have cited clinical-significance assessments for this variant to ClinVar after 2014. All submitters classified the variant as pathogenic/likely pathogenic. Based on the evidence outlined above, the variant was classified as likely pathogenic.

Mendelics
Classification: Pathogenic for Maple syrup urine disease type 1A. Last evaluated: 2022-05-04. Review status: criteria provided, single submitter. Criteria: Mendelics Assertion Criteria 2019. Collection method: clinical testing. Allele origin: germline.

GeneDx
Classification: Likely pathogenic. Last evaluated: 2022-04-15. Review status: criteria provided, single submitter. Criteria: GeneDx Variant Classification Process June 2021. Collection method: clinical testing. Allele origin: germline. Affected: yes.
Comment: In silico analysis supports that this missense variant has a deleterious effect on protein structure/function; This variant is associated with the following publications: (PMID: 25087612, 16786533, 31980395, 14517957, 9239422, 20307994, 24772966, 1847055)

Revvity Omics, Revvity
Classification: Likely pathogenic for Maple syrup urine disease type 1A. Last evaluated: 2022-04-01. Review status: criteria provided, single submitter. Criteria: ACMG Guidelines, 2015. Collection method: clinical testing. Allele origin: germline.

Genome-Nilou Lab
Classification: Pathogenic for Maple syrup urine disease type 1A. Last evaluated: 2021-11-07. Review status: criteria provided, single submitter. Criteria: ACMG Guidelines, 2015. Collection method: clinical testing. Allele origin: germline. Affected: no.

Laboratorio de Genetica e Diagnostico Molecular, Hospital Israelita Albert Einstein
Classification: Likely pathogenic. Last evaluated: 2019-05-21. Review status: criteria provided, single submitter. Criteria: ACMG Guidelines, 2015. Collection method: clinical testing. Allele origin: germline. Affected: yes.
Comment: ACMG classification criteria: PM1, PM2, PP3, PP5

Illumina Laboratory Services, Illumina
Classification: Pathogenic for Maple syrup urine disease type 1A. Last evaluated: 2018-12-18. Review status: criteria provided, single submitter. Criteria: ICSL Variant Classification Criteria 09 May 2019. Collection method: clinical testing. Allele origin: germline.
Comment: The DBT c.827T>G (p.Phe276Cys) missense variant has been reported in five studies in which it is found in a total of seven probands with either the thiamine-responsive subtype of maple syrup urine disease MSUD (type II), or the classic form, all in a compound heterozygous state (Fisher et al. 1991; Chuang et al. 1997; Henneke et al. 2003; RodrÃ­guez-Pombo et al. 2006; Narayanan et al. 2013). The p.Phe276Cys variant was absent from 250 controls and is reported at a frequency of 0.00035 in the European American population of the Exome Sequencing Project. Many of the studies suggest a strong genotype-phenotype correlation with the p.Phe276Cys variant and a thiamine-responsive MSUD phenotype. Functional studies on four of the seven individuals with this variant showed enzyme activity between 3 â€“ 40% compared to wild type activity (Chuang et al. 1997; RodrÃ­guez-Pombo et al. 2006). Based on the collective evidence, the p.Phe276Cys variant is classified as pathogenic for maple syrup urine disease. This variant was observed by ICSL as part of a predisposition screen in an ostensibly healthy population.

Eurofins Ntd Llc (ga)
Classification: Pathogenic. Last evaluated: 2013-08-23. Review status: criteria provided, single submitter. Criteria: EGL Classification Definitions. Collection method: clinical testing. Allele origin: germline. Observed: 3 variant alleles, 3 heterozygotes.

OMIM
Classification: Pathogenic for MAPLE SYRUP URINE DISEASE, TYPE II. Last evaluated: 1991-01-31. Review status: no assertion criteria provided. Collection method: literature only. Allele origin: germline. Not counted in ClinVar's aggregate classification.

Literature cited by the submitters: PubMed 1847055 (cited by 5 submitters); PubMed 14517957 (cited by 3 submitters); PubMed 16786533 (cited by Labcorp Genetics (formerly Invitae), Labcorp and Illumina Laboratory Services, Illumina); PubMed 24772966 (cited by Labcorp Genetics (formerly Invitae), Labcorp and Illumina Laboratory Services, Illumina); PubMed 31980395 (cited by Variantyx, Inc. and Women's Health and Genetics/Laboratory Corporation of America, LabCorp); PubMed 9239422 (cited by Variantyx, Inc. and Illumina Laboratory Services, Illumina); PubMed 36361642 (cited by Women's Health and Genetics/Laboratory Corporation of America, LabCorp).